The following is an entry in ClinVar:

ClinVar aggregate classification (germline): Benign (1 of 4 stars; one submission).

Allele frequency attached by ClinVar (database versions not stated): 1000 Genomes Project 0.00260; gnomAD 0.00280; 1000 Genomes Project 30x 0.00297; TOPMed 0.00305.
gnomAD v4.1: 419 of 151,780 alleles (0.28%); highest among the groups gnomAD compares: African/African-American, 0.99%; 3 homozygotes.

Submission:

CeGaT Center for Human Genetics Tuebingen
Classification: Benign. Last evaluated: 2026-03-01. Review status: criteria provided, single submitter. Criteria: CeGaT Center For Human Genetics Tuebingen Variant Classification Criteria Version 2. Collection method: clinical testing. Allele origin: germline. Affected: yes. Observed: 3 variant alleles.
Comment: FGFR1: BS1, BS2

NM_023110.3(FGFR1):c.-89+683G>A

Gene: FGFR1 (fibroblast growth factor receptor 1; minus strand). Cytogenetic location: 8p11.23.
Variant type: single nucleotide variant.
Coding change: c.-89+683G>A on transcript NM_023110.3 (MANE Select); 683 bases into the intron after 89 bases upstream of the start codon, G replaced by A.
Molecular consequence: intron variant.
Genome position (GRCh38, 1-based): chr8:38,467,298, C>T on the plus strand (G>A on the coding strand, the complement: FGFR1 is on the minus strand). VCF-style: chr8-38467298-C-T. GRCh37 (hg19) VCF-style: chr8-38324816-C-T.
Other names: c.-89+683G>A (NM_001354368.2, NM_001354370.2, NM_023106.3 and 4 more transcripts); c.-181+683G>A (NM_001174064.2); c.-89+374G>A (NM_001174066.2, NM_001354369.2, NM_001410922.1 and 1 more transcripts); c.-150+374G>A (NM_001174067.2).
Identifiers: ClinVar variation 3239265 (VCV003239265.19), dbSNP rs148270774.